The following is an entry in ClinVar:

ClinVar aggregate classification (germline): Likely benign (1 of 4 stars; one submission).

Allele frequency attached by ClinVar (database versions not stated): ExAC 0.00005; gnomAD 0.00015; TOPMed 0.00017; gnomAD exomes 0.00025.
gnomAD v4.1: 161 of 717,768 alleles (0.022%); highest among the groups gnomAD compares: Middle Eastern, 0.046%; no homozygotes.

Submission:

CeGaT Center for Human Genetics Tuebingen
Classification: Likely benign. Last evaluated: 2022-07-01. Review status: criteria provided, single submitter. Criteria: CeGaT Center For Human Genetics Tuebingen Variant Classification Criteria Version 2. Collection method: clinical testing. Allele origin: germline. Affected: yes. Observed: 1 variant allele.
Comment: ADGRD2: BP4

NM_001395425.1(ADGRD2):c.2669+3G>A

Gene: ADGRD2 (adhesion G protein-coupled receptor D2; plus strand). Cytogenetic location: 9q33.3.
Variant type: single nucleotide variant.
Coding change: c.2669+3G>A on transcript NM_001395425.1 (MANE Select); 3 bases into the intron after coding-DNA position 2669, G replaced by A.
Molecular consequence: intron variant.
Genome position (GRCh38, 1-based): chr9:124,469,550, G>A. VCF-style: chr9-124469550-G-A. GRCh37 (hg19) VCF-style: chr9-127231829-G-A.
Identifiers: ClinVar variation 2659493 (VCV002659493.24), dbSNP rs746474564, ClinGen allele CA5235142.